The following is an entry in ClinVar:

ClinVar aggregate classification (germline): Uncertain significance. Review status: criteria provided, multiple submitters, no conflicts (2 of 4 stars). 2 submissions from 2 submitters: Uncertain significance (2). Last evaluated 2025-11-22.

Conditions:
Inborn genetic diseases. Identifiers: MedGen C0950123, MeSH D030342.

Allele frequency attached by ClinVar (database versions not stated): gnomAD exomes below 0.00001; TOPMed 0.00001; gnomAD 0.00002.

Submissions (2):

GeneDx
Classification: Uncertain significance. Last evaluated: 2025-11-22. Review status: criteria provided, single submitter. Criteria: GeneDx Variant Classification Process June 2021. Collection method: clinical testing. Allele origin: germline. Affected: yes.
Comment: Not observed at significant frequency in large population cohorts (gnomAD); In silico analysis supports that this missense variant has a deleterious effect on protein structure/function; In silico analysis suggests this variant may impact gene splicing. In the absence of RNA/functional studies, the actual effect of this sequence change is unknown.; Has not been previously published as pathogenic or benign to our knowledge

Ambry Genetics
Classification: Uncertain significance for Inborn genetic diseases. Last evaluated: 2025-01-23. Review status: criteria provided, single submitter. Criteria: Ambry Variant Classification Scheme 2023. Collection method: clinical testing. Allele origin: germline.

NM_014991.6(WDFY3):c.9610A>T (p.Ser3204Cys)

Gene: WDFY3 (WD repeat and FYVE domain containing 3; minus strand). Cytogenetic location: 4q21.23.
Variant type: single nucleotide variant.
Coding change: c.9610A>T on transcript NM_014991.6 (MANE Select); coding-DNA position 9610, A replaced by T.
Protein change: p.Ser3204Cys; replaces serine 3204 with cysteine.
Molecular consequence: missense variant.
Genome position (GRCh38, 1-based): chr4:84,684,059, T>A on the plus strand (A>T on the coding strand, the complement: WDFY3 is on the minus strand). VCF-style: chr4-84684059-T-A. GRCh37 (hg19) VCF-style: chr4-85605212-T-A.
Other names: short protein forms S3204C.
Identifiers: ClinVar variation 1708724 (VCV001708724.6), dbSNP rs1160374999, ClinGen allele CA357267984.
Genomic context (GRCh38, chr4:84,684,059, plus strand): 5'-TCATCTCCGACATGCAGCAGCAGATGATCTGCTGGCTCCTACCTGTGAACGTGTTGACAC[T>A]CACGATAGGGTTCCCATTGATGCTCCACACATGGATATATGTGCCAGCGCAGGACACAAT-3'
Protein context (NP_055806.2, residues 3194-3214): VWSINGNPIV[Ser3204Cys]VNTFTGRSQQ